The following is an entry in ClinVar:

ClinVar aggregate classification (germline): Benign/Likely benign. Review status: criteria provided, multiple submitters, no conflicts (2 of 4 stars). 5 submissions from 5 submitters: Benign (4); Likely benign (1). Last evaluated 2026-01-25.

Conditions:
ADAMTS17-related disorder. Also called: ADAMTS17-related condition.
Weill-Marchesani 4 syndrome, recessive. Also called: Weill-Marchesani syndrome 4. Identifiers: Orphanet 363992, MedGen C2750787, MONDO:0013176, OMIM 613195.

Allele frequency attached by ClinVar (database versions not stated): ExAC 0.00113; TOPMed 0.00127; 1000 Genomes Project 0.00260; 1000 Genomes Project 30x 0.00265.
gnomAD v4.1: 810 of 1,614,134 alleles (0.05%); highest among the groups gnomAD compares: East Asian, 1.6%; 4 homozygotes.

Submissions (5):

Labcorp Genetics (formerly Invitae), Labcorp
Classification: Benign. Last evaluated: 2026-01-25. Review status: criteria provided, single submitter. Criteria: Invitae Variant Classification Sherloc (09022015). Collection method: clinical testing. Allele origin: germline.

PreventionGenetics, part of Exact Sciences
Classification: Benign for ADAMTS17-related condition. Last evaluated: 2026-01-07. Review status: criteria provided, single submitter. Criteria: ACMG Guidelines, 2015. Collection method: clinical testing. Allele origin: germline.
Comment: This variant is classified as benign based on ACMG/AMP sequence variant interpretation guidelines (Richards et al. 2015 PMID: 25741868, with internal and published modifications).

Blueprint Genetics
Classification: Likely benign. Last evaluated: 2024-11-06. Review status: criteria provided, single submitter. Criteria: ACMG Guidelines, 2015. Collection method: clinical testing. Allele origin: germline.

Illumina Laboratory Services, Illumina
Classification: Benign for Weill-Marchesani 4 syndrome, recessive. Last evaluated: 2018-01-13. Review status: criteria provided, single submitter. Criteria: ICSL Variant Classification Criteria 13 December 2019. Collection method: clinical testing. Allele origin: germline.
Comment: This variant was observed in the ICSL laboratory as part of a predisposition screen in an ostensibly healthy population. It had not been previously curated by ICSL or reported in the Human Gene Mutation Database (HGMD: prior to June 1st, 2018), and was therefore a candidate for classification through an automated scoring system. Utilizing variant allele frequency, disease prevalence and penetrance estimates, and inheritance mode, an automated score was calculated to assess if this variant is too frequent to cause the disease. Based on the score and internal cut-off values, a variant classified as benign is not then subjected to further curation. The score for this variant resulted in a classification of benign for this disease.

Breakthrough Genomics
Classification: Benign. Review status: criteria provided, single submitter. Criteria: ACMG Guidelines, 2015. Collection method: not provided. Allele origin: germline. Inheritance: Autosomal recessive inheritance. Affected: yes.

NM_139057.4(ADAMTS17):c.2518G>A (p.Asp840Asn)

Gene: ADAMTS17 (ADAM metallopeptidase with thrombospondin type 1 motif 17; minus strand). Cytogenetic location: 15q26.3.
Variant type: single nucleotide variant.
Coding change: c.2518G>A on transcript NM_139057.4 (MANE Select); coding-DNA position 2518, G replaced by A.
Protein change: p.Asp840Asn; replaces aspartic acid 840 with asparagine.
Molecular consequence: missense variant.
Genome position (GRCh38, 1-based): chr15:100,048,930, C>T on the plus strand (G>A on the coding strand, the complement: ADAMTS17 is on the minus strand). VCF-style: chr15-100048930-C-T. GRCh37 (hg19) VCF-style: chr15-100589135-C-T.
Other names: c.2518G>A (NM_139057.3); short protein forms D840N.
Identifiers: ClinVar variation 887750 (VCV000887750.15), dbSNP rs147316982, ClinGen allele CA7757691.